The following is an entry in ClinVar:

NM_001308093.3(GATA4):c.1000+56C>A

Gene: GATA4 (GATA binding protein 4). Cytogenetic location: 8p23.1.
Variant type: single nucleotide variant.
Coding change: c.1000+56C>A on transcript NM_001308093.3 (MANE Select); 56 bases into the intron after coding-DNA position 1000, C replaced by A.
Molecular consequence: intron variant.
Genome position (GRCh38, 1-based): chr8:11,755,189, C>A. VCF-style: chr8-11755189-C-A. GRCh37 (hg19) VCF-style: chr8-11612698-C-A.
Other names: c.379+56C>A (NM_001308094.2, NM_001374273.1); c.997+56C>A (NM_002052.5, NM_002052.4); c.253+56C>A (NM_001374274.1).
Identifiers: ClinVar variation 139596 (VCV000139596.22), dbSNP rs804280, ClinGen allele CA232592.

ClinVar aggregate classification (germline): Benign/Likely benign. Review status: criteria provided, multiple submitters, no conflicts (2 of 4 stars). 13 submissions from 13 submitters: Benign (5); Likely benign (1). 7 of the submissions do not count toward it. Last evaluated 2026-01-19.

Conditions:
GATA4-related disorder. Also called: GATA4-related condition. Identifiers: MedGen CN860321.
Atrioventricular septal defect 4 (AVSD4). Identifiers: MedGen C3280781, MONDO:0013747, OMIM 614430.
Congenital heart disease (CHD). Identifiers: MedGen C0152021, MONDO:0005453. Disease mechanism: unknown.

Allele frequency attached by ClinVar (database versions not stated): gnomAD 0.62414 and 0.61291; TOPMed 0.62278; 1000 Genomes Project 0.73442; ESP Exome Variant Server 0.59396; 1000 Genomes Project 30x 0.72330.
gnomAD v4.1: 872,575 of 1,409,926 alleles (62%); highest among the groups gnomAD compares: East Asian, 98%; 277,817 homozygotes.

Submissions (13):

Labcorp Genetics (formerly Invitae), Labcorp
Classification: Benign for Atrioventricular septal defect 4. Last evaluated: 2026-01-19. Review status: criteria provided, single submitter. Criteria: Invitae Variant Classification Sherloc (09022015). Collection method: clinical testing. Allele origin: germline.

Genomic Medicine Center of Excellence, King Faisal Specialist Hospital and Research Centre
Classification: Likely benign for Congenital heart disease. Last evaluated: 2025-07-30. Review status: criteria provided, single submitter. Criteria: ACMG Guidelines, 2015. Collection method: clinical testing. Allele origin: germline.

Laboratory of Genetics, Children's Clinical University Hospital Latvia
Classification: Benign. Last evaluated: 2025-02-16. Review status: criteria provided, single submitter. Criteria: ACMG Guidelines, 2015. Collection method: clinical testing. Allele origin: germline. Affected: yes.

Mendelics
Classification: Benign. Last evaluated: 2022-05-04. Review status: criteria provided, single submitter. Criteria: Mendelics Assertion Criteria 2019. Collection method: clinical testing. Allele origin: germline.

GeneDx
Classification: Benign. Last evaluated: 2018-09-04. Review status: criteria provided, single submitter. Criteria: GeneDx Variant Classification Process June 2021. Collection method: clinical testing. Allele origin: germline. Affected: yes.
Comment: This variant is associated with the following publications: (PMID: 25928801)

Breakthrough Genomics
Classification: Benign. Review status: criteria provided, single submitter. Criteria: ACMG Guidelines, 2015. Collection method: not provided. Allele origin: germline. Inheritance: Autosomal dominant inheritance. Affected: yes.

PreventionGenetics, part of Exact Sciences
Classification: Benign for GATA4-related condition. Last evaluated: 2021-02-16. Review status: no assertion criteria provided. Collection method: clinical testing. Allele origin: germline. Not counted in ClinVar's aggregate classification.
Comment: This variant is classified as benign based on ACMG/AMP sequence variant interpretation guidelines (Richards et al. 2015 PMID: 25741868, with internal and published modifications).

Central Research Laboratory, Sri Devaraj Urs Academy of Higher Education and Research
Classification: Pathogenic for Congenital heart disease. Last evaluated: 2017-01-07. Review status: no assertion criteria provided. Collection method: clinical testing. Allele origin: unknown. Affected: yes. Observed: 58 variant alleles. Not counted in ClinVar's aggregate classification.
Comment: This variant, NG_008177.2:g.83271C>A, leads to disruption of branch point site and formation of ISS motif 2.

Department of Pathology and Laboratory Medicine, Sinai Health System
Classification: Benign. Review status: no assertion criteria provided. Collection method: clinical testing. Allele origin: unknown. Affected: yes. Study: The Canadian Open Genetics Repository (COGR). Not counted in ClinVar's aggregate classification.

Dept of Molecular Genetics and Enzymology, National Research Centre
Classification: Uncertain significance. Review status: no assertion criteria provided. Collection method: not provided. Allele origin: unknown. Not counted in ClinVar's aggregate classification.
Comment: Ventricular and atrial septal defects and pulmonary stenosis
ClinVar note: Converted during submission from unknown to Uncertain significance.

Genome Diagnostics Laboratory, Amsterdam University Medical Center
Classification: Benign. Review status: no assertion criteria provided. Collection method: clinical testing. Allele origin: germline. Affected: yes. Study: VKGL Data-share Consensus. Not counted in ClinVar's aggregate classification.

Genome Diagnostics Laboratory, University Medical Center Utrecht
Classification: Benign. Review status: no assertion criteria provided. Collection method: clinical testing. Allele origin: germline. Affected: yes. Study: VKGL Data-share Consensus. Not counted in ClinVar's aggregate classification.

Joint Genome Diagnostic Labs from Nijmegen and Maastricht, Radboudumc and MUMC+
Classification: Benign. Review status: no assertion criteria provided. Collection method: clinical testing. Allele origin: germline. Affected: yes. Study: VKGL Data-share Consensus. Not counted in ClinVar's aggregate classification.

Literature cited by the submitters: PubMed 27426723 (cited by Central Research Laboratory, Sri Devaraj Urs Academy of Higher Education and Research).